The following is an entry in ClinVar:

NM_005732.4(RAD50):c.2920A>G (p.Lys974Glu)

Gene: RAD50 (RAD50 double strand break repair protein; plus strand). Cytogenetic location: 5q31.1.
Variant type: single nucleotide variant.
Coding change: c.2920A>G on transcript NM_005732.4 (MANE Select); coding-DNA position 2920, A replaced by G.
Protein change: p.Lys974Glu; replaces lysine 974 with glutamic acid.
Molecular consequence: missense variant.
Genome position (GRCh38, 1-based): chr5:132,609,207, A>G. VCF-style: chr5-132609207-A-G. GRCh37 (hg19) VCF-style: chr5-131944899-A-G.
Other names: c.2920A>G (NM_005732.3); short protein forms K974E.
Identifiers: ClinVar variation 1379567 (VCV001379567.7), dbSNP rs1751039993, ClinGen allele CA360960060.
Genomic context (GRCh38, chr5:132,609,207, plus strand): 5'-ATTCATGGCTATATGAAAGACATTGAGAATTATATTCAAGATGGGAAAGACGACTATAAG[A>G]AGGTAATTTAAAACTTAAAATTATTTATTTGATTGTATTTTTATTCATGTGCTTAAAGAA-3'
Protein context (NP_005723.2, residues 964-984): YIQDGKDDYK[Lys974Glu]QKETELNKVI

ClinVar aggregate classification (germline): Uncertain significance. Review status: criteria provided, multiple submitters, no conflicts (2 of 4 stars). 2 submissions from 2 submitters: Uncertain significance (2). Last evaluated 2025-07-14.

Conditions:
Hereditary cancer-predisposing syndrome. Also called: Neoplastic Syndromes, Hereditary; Hereditary Cancer Syndrome; Tumor predisposition; Hereditary neoplastic syndrome. Identifiers: Orphanet 140162, MedGen C0027672, MeSH D009386, MONDO:0015356.

Submissions (2):

Ambry Genetics
Classification: Uncertain significance for Hereditary cancer-predisposing syndrome. Last evaluated: 2025-07-14. Review status: criteria provided, single submitter. Criteria: Ambry Variant Classification Scheme 2023. Collection method: clinical testing. Allele origin: germline.
Comment: The p.K974E variant (also known as c.2920A>G), located in coding exon 18 of the RAD50 gene, results from an A to G substitution at nucleotide position 2920. The lysine at codon 974 is replaced by glutamic acid, an amino acid with similar properties. This amino acid position is conserved. In addition, this alteration is predicted to be tolerated by in silico analysis. Based on the available evidence, the clinical significance of this variant remains unclear.

Labcorp Genetics (formerly Invitae), Labcorp
Classification: Uncertain significance for Hereditary cancer-predisposing syndrome. Last evaluated: 2021-11-12. Review status: criteria provided, single submitter. Criteria: Invitae Variant Classification Sherloc (09022015). Collection method: clinical testing. Allele origin: germline.
Comment: In summary, the available evidence is currently insufficient to determine the role of this variant in disease. Therefore, it has been classified as a Variant of Uncertain Significance. Algorithms developed to predict the effect of missense changes on protein structure and function (SIFT, PolyPhen-2, Align-GVGD) all suggest that this variant is likely to be tolerated. This variant has not been reported in the literature in individuals affected with RAD50-related conditions. This variant is not present in population databases (gnomAD no frequency). This sequence change replaces lysine, which is basic and polar, with glutamic acid, which is acidic and polar, at codon 974 of the RAD50 protein (p.Lys974Glu).